The following is an entry in ClinVar:

NM_199420.4(POLQ):c.502G>A (p.Val168Ile)

Gene: POLQ (DNA polymerase theta; minus strand). Cytogenetic location: 3q13.33.
Variant type: single nucleotide variant.
Coding change: c.502G>A on transcript NM_199420.4 (MANE Select); coding-DNA position 502, G replaced by A.
Protein change: p.Val168Ile; replaces valine 168 with isoleucine.
Molecular consequence: missense variant.
Genome position (GRCh38, 1-based): chr3:121,539,562, C>T on the plus strand (G>A on the coding strand, the complement: POLQ is on the minus strand). VCF-style: chr3-121539562-C-T. GRCh37 (hg19) VCF-style: chr3-121258409-C-T.
Other names: short protein forms V168I.
Identifiers: ClinVar variation 1744892 (VCV001744892.2), dbSNP rs1281170466, ClinGen allele CA354091400.

ClinVar aggregate classification (germline): Uncertain significance (1 of 4 stars; one submission).

Allele frequency attached by ClinVar (database versions not stated): gnomAD 0.00001.
gnomAD v4.1: 2 of 1,612,738 alleles (0.00012%); highest among the groups gnomAD compares: African/African-American, 0.0013%; no homozygotes.

Submission:

Ambry Genetics
Classification: Uncertain significance. Last evaluated: 2024-02-13. Review status: criteria provided, single submitter. Criteria: Ambry Variant Classification Scheme 2023. Collection method: clinical testing. Allele origin: germline.
Comment: The p.V168I variant (also known as c.502G>A), located in coding exon 4 of the POLQ gene, results from a G to A substitution at nucleotide position 502. The valine at codon 168 is replaced by isoleucine, an amino acid with highly similar properties. This amino acid position is conserved. In addition, this alteration is predicted to be tolerated by in silico analysis. Since supporting evidence is limited at this time, the clinical significance of this alteration remains unclear.